The following is an entry in ClinVar:

ClinVar aggregate classification (germline): Benign/Likely benign. Review status: criteria provided, multiple submitters, no conflicts (2 of 4 stars). 10 submissions from 9 submitters: Benign (1); Likely benign (8). 1 of the submissions does not count toward it. Last evaluated 2026-02-04.

Conditions:
NOTCH1-related disorder. Also called: NOTCH1-related disorders; NOTCH1-related condition.
Aortic valve disease 1 (AOVD1). Identifiers: MedGen C3887892, MONDO:0024523, OMIM 109730.
Connective tissue disorder. Also called: Connective tissue disease. Identifiers: MedGen C0009782, MONDO:0003900.
Adams-Oliver syndrome 5 (AOS5). Identifiers: Orphanet 974, MedGen C4014970, MONDO:0014459, OMIM 616028.
Familial thoracic aortic aneurysm and aortic dissection (TAAD). Also called: Thoracic aortic aneurysms and dissections. Identifiers: Orphanet 91387, MedGen C4707243, MONDO:0019625.

Allele frequency attached by ClinVar (database versions not stated): gnomAD exomes 0.00005 and 0.00010; TOPMed 0.00005; gnomAD 0.00007; ExAC 0.00011.
gnomAD v4.1: 149 of 1,600,542 alleles (0.0093%); highest among the groups gnomAD compares: Non-Finnish European, 0.012%; no homozygotes.

Submissions (10):

Labcorp Genetics (formerly Invitae), Labcorp
Classification: Likely benign for Adams-Oliver syndrome 5. Last evaluated: 2026-02-04. Review status: criteria provided, single submitter. Criteria: Invitae Variant Classification Sherloc (09022015). Collection method: clinical testing. Allele origin: germline.

Women's Health and Genetics/Laboratory Corporation of America, LabCorp
Classification: Benign. Last evaluated: 2025-12-22. Review status: criteria provided, single submitter. Criteria: LabCorp Variant Classification Summary - May 2015. Collection method: clinical testing. Allele origin: germline.

Mayo Clinic Laboratories, Mayo Clinic
Classification: Likely benign. Last evaluated: 2025-05-07. Review status: criteria provided, single submitter. Criteria: ACMG Guidelines, 2015. Collection method: clinical testing. Allele origin: germline. Observed: 1 variant allele.
Comment: BP4, BP7

Ambry Genetics
Classification: Likely benign for Familial thoracic aortic aneurysm and aortic dissection. Last evaluated: 2024-04-09. Review status: criteria provided, single submitter. Criteria: Ambry Variant Classification Scheme 2023. Collection method: clinical testing. Allele origin: germline.

Genome-Nilou Lab
Classification: Likely benign for Adams-Oliver syndrome 5. Last evaluated: 2022-03-15. Review status: criteria provided, single submitter. Criteria: ACMG Guidelines, 2015. Collection method: clinical testing. Allele origin: germline. Affected: no.

Genome-Nilou Lab
Classification: Likely benign for Aortic valve disease 1. Last evaluated: 2022-03-15. Review status: criteria provided, single submitter. Criteria: ACMG Guidelines, 2015. Collection method: clinical testing. Allele origin: germline. Affected: no.

GeneDx
Classification: Likely benign. Last evaluated: 2021-02-02. Review status: criteria provided, single submitter. Criteria: GeneDx Variant Classification Process June 2021. Collection method: clinical testing. Allele origin: germline. Affected: yes.

Center for Human Genetics, Inc
Classification: Likely benign for Connective tissue disorder. Last evaluated: 2016-11-01. Review status: criteria provided, single submitter. Criteria: ACMG Guidelines, 2015. Collection method: clinical testing. Allele origin: germline. Affected: yes.

Breakthrough Genomics
Classification: Likely benign. Review status: criteria provided, single submitter. Criteria: ACMG Guidelines, 2015. Collection method: not provided. Allele origin: germline. Inheritance: Autosomal dominant inheritance. Affected: yes.

PreventionGenetics, part of Exact Sciences
Classification: Likely benign for NOTCH1-related condition. Last evaluated: 2019-07-15. Review status: no assertion criteria provided. Collection method: clinical testing. Allele origin: germline. Not counted in ClinVar's aggregate classification.
Comment: This variant is classified as likely benign based on ACMG/AMP sequence variant interpretation guidelines (Richards et al. 2015 PMID: 25741868, with internal and published modifications).

NM_017617.5(NOTCH1):c.4551C>T (p.Asp1517=)

Gene: NOTCH1 (notch receptor 1; minus strand). Cytogenetic location: 9q34.3.
Variant type: single nucleotide variant.
Coding change: c.4551C>T on transcript NM_017617.5 (MANE Select); coding-DNA position 4551, C replaced by T.
Protein change: p.Asp1517=; no amino-acid change (aspartic acid 1517 retained).
Molecular consequence: synonymous variant.
Genome position (GRCh38, 1-based): chr9:136,505,345, G>A on the plus strand (C>T on the coding strand, the complement: NOTCH1 is on the minus strand). VCF-style: chr9-136505345-G-A. GRCh37 (hg19) VCF-style: chr9-139399797-G-A.
Other names: p.Asp1517=; c.4551C>T (NM_017617.4); c.4551C>T, p.Asp1517= (LRG_1122t1).
Identifiers: ClinVar variation 264398 (VCV000264398.25), dbSNP rs766737406, ClinGen allele CA5340596.